The following is an entry in ClinVar:

NM_177398.4(LMX1A):c.580C>T (p.Arg194Cys)

Gene: LMX1A (LIM homeobox transcription factor 1 alpha; minus strand). Cytogenetic location: 1q23.3.
Variant type: single nucleotide variant.
Coding change: c.580C>T on transcript NM_177398.4 (MANE Select); coding-DNA position 580, C replaced by T.
Protein change: p.Arg194Cys; replaces arginine 194 with cysteine.
Molecular consequence: missense variant.
Genome position (GRCh38, 1-based): chr1:165,213,730, G>A on the plus strand (C>T on the coding strand, the complement: LMX1A is on the minus strand). VCF-style: chr1-165213730-G-A. GRCh37 (hg19) VCF-style: chr1-165182967-G-A.
Other names: c.580C>T, p.Arg194Cys (NM_001174069.2); short protein forms R194C.
Identifiers: ClinVar variation 3358572 (VCV003358572.1).

ClinVar aggregate classification (germline): Uncertain significance (0 of 4 stars; one submission).

Conditions:
LMX1A-related disorder. Also called: LMX1A-related condition.

gnomAD v4.1: 45 of 1,614,152 alleles (0.0028%); highest among the groups gnomAD compares: Admixed American, 0.005%; no homozygotes.

Submission:

PreventionGenetics, part of Exact Sciences
Classification: Uncertain significance for LMX1A-related condition. Last evaluated: 2024-04-04. Review status: no assertion criteria provided. Collection method: clinical testing. Allele origin: germline.
Comment: The LMX1A c.580C>T variant is predicted to result in the amino acid substitution p.Arg194Cys. To our knowledge, this variant has not been reported in the literature. This variant is reported in 0.0062% of alleles in individuals of African descent in gnomAD. At this time, the clinical significance of this variant is uncertain due to the absence of conclusive functional and genetic evidence.